The following is an entry in ClinVar:

NM_000051.4(ATM):c.1463G>A (p.Trp488Ter)

Gene: ATM (ATM serine/threonine kinase; plus strand). Cytogenetic location: 11q22.3.
Variant type: single nucleotide variant.
Coding change: c.1463G>A on transcript NM_000051.4 (MANE Select); coding-DNA position 1463, G replaced by A.
Protein change: p.Trp488Ter; replaces tryptophan 488 with a stop codon.
Molecular consequence: nonsense.
Genome position (GRCh38, 1-based): chr11:108,250,928, G>A. VCF-style: chr11-108250928-G-A. GRCh37 (hg19) VCF-style: chr11-108121655-G-A.
Other names: c.1463G>A, p.Trp488Ter (NM_001351834.2); short protein forms W488*.
Identifiers: ClinVar variation 246090 (VCV000246090.17), dbSNP rs879254093, ClinGen allele CA10584324.

ClinVar aggregate classification (germline): Pathogenic. Review status: criteria provided, multiple submitters, no conflicts (2 of 4 stars). 8 submissions from 8 submitters: Pathogenic (6). 2 of the submissions do not count toward it. Last evaluated 2025-09-03.

Conditions:
Familial cancer of breast. Also called: BREAST CANCER, FAMILIAL; Hereditary breast cancer; hereditary breast carcinoma. Identifiers: Orphanet 227535, MedGen C0346153, MONDO:0016419, OMIM 114480. Disease mechanism: loss of function.
Ataxia-telangiectasia syndrome (AT). Also called: Cerebello-oculocutaneous telangiectasia; Immunodeficiency with ataxia telangiectasia; Ataxia-telangiectasia; Ataxia telangiectasia (A-T); LOUIS-BAR SYNDROME; Ataxia-telangiectasia, complementation group D. Identifiers: Orphanet 100, MedGen C0004135, MONDO:0008840, OMIM 208900.
Hereditary cancer-predisposing syndrome. Also called: Neoplastic Syndromes, Hereditary; Tumor predisposition; Hereditary neoplastic syndrome; Hereditary Cancer Syndrome. Identifiers: Orphanet 140162, MedGen C0027672, MeSH D009386, MONDO:0015356.

Allele frequency attached by ClinVar (database versions not stated): gnomAD 0.00001; TOPMed 0.00001.
gnomAD v4.1: 1 of 1,613,968 alleles (0.000062%); highest among the groups gnomAD compares: Non-Finnish European, 0.000085%; no homozygotes.

Submissions (8):

Labcorp Genetics (formerly Invitae), Labcorp
Classification: Pathogenic for Ataxia-telangiectasia syndrome. Last evaluated: 2025-09-03. Review status: criteria provided, single submitter. Criteria: Invitae Variant Classification Sherloc (09022015). Collection method: clinical testing. Allele origin: germline.
Comment: This sequence change creates a premature translational stop signal (p.Trp488*) in the ATM gene. It is expected to result in an absent or disrupted protein product. Loss-of-function variants in ATM are known to be pathogenic (PMID: 23807571, 25614872). This variant is present in population databases (no rsID available, gnomAD 0.007%). This premature translational stop signal has been observed in individual(s) with ataxia-telangiectasia (PMID: 16941484, 17124347). ClinVar contains an entry for this variant (Variation ID: 246090). For these reasons, this variant has been classified as Pathogenic.

Ambry Genetics
Classification: Pathogenic for Hereditary cancer-predisposing syndrome. Last evaluated: 2024-01-16. Review status: criteria provided, single submitter. Criteria: Ambry Variant Classification Scheme 2023. Collection method: clinical testing. Allele origin: germline.
Comment: The p.W488* pathogenic mutation (also known as c.1463G>A), located in coding exon 9 of the ATM gene, results from a G to A substitution at nucleotide position 1463. This changes the amino acid from a tryptophan to a stop codon within coding exon 9. In addition to the clinical data presented in the literature, this alteration is expected to result in loss of function by premature protein truncation or nonsense-mediated mRNA decay. As such, this alteration is interpreted as a disease-causing mutation.

Myriad Genetics, Inc.
Classification: Pathogenic for Familial cancer of breast. Last evaluated: 2024-01-16. Review status: criteria provided, single submitter. Criteria: Myriad Autosomal Dominant, Autosomal Recessive and X-Linked Classification Criteria (2023). Collection method: clinical testing. Allele origin: unknown.
Comment: This variant is considered pathogenic. This variant creates a termination codon and is predicted to result in premature protein truncation.

Women's Health and Genetics/Laboratory Corporation of America, LabCorp
Classification: Pathogenic for Ataxia-telangiectasia syndrome. Last evaluated: 2022-08-10. Review status: criteria provided, single submitter. Criteria: LabCorp Variant Classification Summary - May 2015. Collection method: clinical testing. Allele origin: germline.
Comment: Variant summary: ATM c.1463G>A (p.Trp488X) results in a premature termination codon, predicted to cause a truncation of the encoded protein or absence of the protein due to nonsense mediated decay, which are commonly known mechanisms for disease. Truncations downstream of this position and a variant resulting in a termination codon at the same position, c.1464G>A (p.Trp488X), have been classified as pathogenic by our laboratory. The variant was absent in 251336 control chromosomes (gnomAD). c.1463G>A has been reported in the literature in individuals affected with Ataxia-Telangiectasia, including at least one case in which it was found to induce nonsense mediated decay (e.g. Cavalieri_2006, Magliozzi_2006, Broccoletti_2011). These data indicate that the variant is likely associated with disease. Five submitters have provided clinical-significance assessments for this variant to ClinVar after 2014 and all classified the variant as pathogenic. Based on the evidence outlined above, the variant was classified as pathogenic.

Spanish ATM Cancer Susceptibility Variant Interpretation Working Group
Classification: Pathogenic for Hereditary cancer-predisposing syndrome. Last evaluated: 2020-06-17. Review status: criteria provided, single submitter. Criteria: Feliubadaló L et al. (Clin Chem 2021). Collection method: clinical testing. Allele origin: germline. Affected: yes. Observed: 1 heterozygote.
Comment: The c.1463G>A (p.Trp488*) variant generates a stop codon that is predicted to result in a truncated or absent protein, due to nonsense mediated decay (NMD) (PVS1). It appears only once in the gnomAD v2.1.1 non-cancer dataset, specifically in the European (non-Finnish) subpopulation (PM2). It has been reported in one ataxia-telangiectasia proband in trans with a variant called “c.4436+2702del8526”, which corresponds to the in frame deletion of exons 30 to 34 (32 to 36 in the article’s numbering). This co-occurrence in trans with a likely pathogenic ATM variant awards c.1463G>A with 1 point as per ClinGen SVI Recommendation for in trans Criterion (PM3, PMID: 16941484). Moreover, cDNA studies in the compound heterozygous patient show only a deleted band compatible with the multi-exonic in-frame deletion. The lack of a normal band must mean that the non-deleted allele carrying the c.1463G>A (p.Trp488*) induces NMD, its non-expression demonstrated (PS3_Supporting). The c.1463G>A variant has also been detected in two other ataxia telangiectasia probands (PMID: 20840352, 17124347). In summary, this variant meets criteria to be classified as pathogenic. Adapted ACMG/AMP rules applied as defined by the Spanish ATM working group: PVS1 + PM2 + PM3 + PS3_Supporting (PMID: 33280026).

GeneDx
Classification: Pathogenic. Last evaluated: 2017-04-18. Review status: criteria provided, single submitter. Criteria: GeneDx Variant Classification (06012015). Collection method: clinical testing. Allele origin: germline. Affected: yes.
Comment: This variant is denoted ATM c.1463G>A at the cDNA level and p.Trp488Ter (W488X) at the protein level. The substitution creates a nonsense variant, which changes a Tryptophan to a premature stop codon (TGG>TAG), and is predicted to cause loss of normal protein function through either protein truncation or nonsense-mediated mRNA decay. This variant has been reported patients with classical ataxia-telangiectasia (Cavalieri 2006, Magliozzi 2006, Broccoletti 2011) and is considered pathogenic.

Natera, Inc.
Classification: Pathogenic for Ataxia-telangiectasia. Last evaluated: 2020-09-16. Review status: no assertion criteria provided. Collection method: clinical testing. Allele origin: germline. Not counted in ClinVar's aggregate classification.

Counsyl
Classification: Pathogenic for Ataxia-telangiectasia syndrome. Last evaluated: 2018-05-31. Review status: no assertion criteria provided. Collection method: clinical testing. Allele origin: unknown. Not counted in ClinVar's aggregate classification.

Literature cited by the submitters: PubMed 23807571 (cited by Labcorp Genetics (formerly Invitae), Labcorp); PubMed 25614872 (cited by Labcorp Genetics (formerly Invitae), Labcorp); PubMed 16941484 (cited by 5 submitters); PubMed 17124347 (cited by 5 submitters); PubMed 20840352 (cited by 3 submitters).